The following is an entry in ClinVar:

ClinVar aggregate classification (germline): Uncertain significance. Review status: criteria provided, multiple submitters, no conflicts (2 of 4 stars). 3 submissions from 3 submitters: Uncertain significance (3). Last evaluated 2025-02-19.

Conditions:
Desmin-related myofibrillar myopathy (MFM1). Also called: Desminopathy; Desmin related myopathy (former name); Desmin storage myopathy (former name); Myofibrillar myopathy 1; MYOFIBRILLAR MYOPATHY WITH ARRHYTHMOGENIC RIGHT VENTRICULAR CARDIOMYOPATHY; DESMIN-RELATED MYOPATHY WITH ARRHYTHMOGENIC RIGHT VENTRICULAR CARDIOMYOPATHY. Identifiers: Orphanet 363543, Orphanet 98909, MedGen C1832370, MONDO:0011076, OMIM 601419.

Submissions (3):

Labcorp Genetics (formerly Invitae), Labcorp
Classification: Uncertain significance for Desmin-related myofibrillar myopathy. Last evaluated: 2025-02-19. Review status: criteria provided, single submitter. Criteria: Invitae Variant Classification Sherloc (09022015). Collection method: clinical testing. Allele origin: germline.
Comment: This sequence change replaces arginine, which is basic and polar, with glutamine, which is neutral and polar, at codon 150 of the DES protein (p.Arg150Gln). This variant is not present in population databases (gnomAD no frequency). This variant has not been reported in the literature in individuals affected with DES-related conditions. ClinVar contains an entry for this variant (Variation ID: 234985). Invitae Evidence Modeling of protein sequence and biophysical properties (such as structural, functional, and spatial information, amino acid conservation, physicochemical variation, residue mobility, and thermodynamic stability) has been performed for this missense variant. However, the output from this modeling did not meet the statistical confidence thresholds required to predict the impact of this variant on DES protein function. In summary, the available evidence is currently insufficient to determine the role of this variant in disease. Therefore, it has been classified as a Variant of Uncertain Significance.

AiLife Diagnostics
Classification: Uncertain significance. Last evaluated: 2022-01-19. Review status: criteria provided, single submitter. Criteria: ACMG Guidelines, 2015. Collection method: clinical testing. Allele origin: germline. Affected: yes. Observed: 1 variant allele.

Stanford Center for Inherited Cardiovascular Disease, Stanford University
Classification: Uncertain significance. Last evaluated: 2015-03-20. Review status: criteria provided, single submitter. Criteria: ACMG Guidelines, 2015. Collection method: provider interpretation. Allele origin: germline.

NM_001927.4(DES):c.449G>A (p.Arg150Gln)

Gene: DES (desmin; plus strand). Cytogenetic location: 2q35.
Variant type: single nucleotide variant.
Coding change: c.449G>A on transcript NM_001927.4 (MANE Select); coding-DNA position 449, G replaced by A.
Protein change: p.Arg150Gln; replaces arginine 150 with glutamine.
Molecular consequence: missense variant.
Genome position (GRCh38, 1-based): chr2:219,418,911, G>A. VCF-style: chr2-219418911-G-A. GRCh37 (hg19) VCF-style: chr2-220283633-G-A.
Other names: c.449G>A (LRG_380t1); short protein forms R150Q.
Identifiers: ClinVar variation 234985 (VCV000234985.13), dbSNP rs876661344, ClinGen allele CA10581142.